The following is an entry in ClinVar:

ClinVar aggregate classification (germline): Uncertain significance. Review status: criteria provided, multiple submitters, no conflicts (2 of 4 stars). 6 submissions from 4 submitters: Uncertain significance (6). Last evaluated 2025-03-22.

Conditions:
Hereditary cancer-predisposing syndrome. Also called: Neoplastic Syndromes, Hereditary; Hereditary neoplastic syndrome; Hereditary Cancer Syndrome; Tumor predisposition. Identifiers: Orphanet 140162, MedGen C0027672, MeSH D009386, MONDO:0015356.
Piebaldism. Also called: Piebald skin depigmentation. Identifiers: Orphanet 2884, MedGen C0080024, MONDO:0008244, OMIM 172800, HP:0007544.
Gastrointestinal stromal tumor. Also called: Gastrointestinal stromal tumor, somatic; Gastrointestinal stroma tumor. Identifiers: Orphanet 44890, MedGen C0238198, MeSH D046152, MONDO:0011719, OMIM 606764, HP:0100723.
Mastocytosis. Also called: Mast Cell Disease. Identifiers: Orphanet 98292, MedGen C0024899, MONDO:0007950, HP:0100495.

Allele frequency attached by ClinVar (database versions not stated): gnomAD 0.00001; gnomAD exomes 0.00001.
gnomAD v4.1: 6 of 1,614,046 alleles (0.00037%); highest among the groups gnomAD compares: Non-Finnish European, 0.00051%; no homozygotes.

Submissions (6):

Ambry Genetics
Classification: Uncertain significance for Hereditary cancer-predisposing syndrome. Last evaluated: 2025-03-22. Review status: criteria provided, single submitter. Criteria: Ambry Variant Classification Scheme 2023. Collection method: clinical testing. Allele origin: germline.
Comment: The p.M425K variant (also known as c.1274T>A), located in coding exon 8 of the KIT gene, results from a T to A substitution at nucleotide position 1274. The methionine at codon 425 is replaced by lysine, an amino acid with similar properties. This amino acid position is conserved. In addition, this alteration is predicted to be tolerated by in silico analysis. Since supporting evidence is limited at this time, the clinical significance of this alteration remains unclear.

GeneDx
Classification: Uncertain significance. Last evaluated: 2023-06-12. Review status: criteria provided, single submitter. Criteria: GeneDx Variant Classification Process June 2021. Collection method: clinical testing. Allele origin: germline. Affected: yes.
Comment: Not observed at significant frequency in large population cohorts (gnomAD); In silico analysis supports that this missense variant does not alter protein structure/function; Has not been previously published as pathogenic or benign to our knowledge; This variant is associated with the following publications: (PMID: 32010564, 30019023)

Labcorp Genetics (formerly Invitae), Labcorp
Classification: Uncertain significance for Gastrointestinal stromal tumor. Last evaluated: 2023-04-05. Review status: criteria provided, single submitter. Criteria: Invitae Variant Classification Sherloc (09022015). Collection method: clinical testing. Allele origin: germline.
Comment: This sequence change replaces methionine, which is neutral and non-polar, with lysine, which is basic and polar, at codon 425 of the KIT protein (p.Met425Lys). This variant is not present in population databases (gnomAD no frequency). In summary, the available evidence is currently insufficient to determine the role of this variant in disease. Therefore, it has been classified as a Variant of Uncertain Significance. Algorithms developed to predict the effect of missense changes on protein structure and function output the following: SIFT: "Not Available"; PolyPhen-2: "Benign"; Align-GVGD: "Not Available". The lysine amino acid residue is found in multiple mammalian species, which suggests that this missense change does not adversely affect protein function. ClinVar contains an entry for this variant (Variation ID: 237238). This variant has not been reported in the literature in individuals affected with KIT-related conditions.

Illumina Laboratory Services, Illumina
Classification: Uncertain significance for Cutaneous mastocytosis. Last evaluated: 2018-01-13. Review status: criteria provided, single submitter. Criteria: ICSL Variant Classification Criteria 13 December 2019. Collection method: clinical testing. Allele origin: germline.

Illumina Laboratory Services, Illumina
Classification: Uncertain significance for Gastrointestinal stromal tumor. Last evaluated: 2018-01-13. Review status: criteria provided, single submitter. Criteria: ICSL Variant Classification Criteria 13 December 2019. Collection method: clinical testing. Allele origin: germline.

Illumina Laboratory Services, Illumina
Classification: Uncertain significance for Piebaldism. Last evaluated: 2018-01-13. Review status: criteria provided, single submitter. Criteria: ICSL Variant Classification Criteria 13 December 2019. Collection method: clinical testing. Allele origin: germline.

NM_000222.3(KIT):c.1274T>A (p.Met425Lys)

Gene: KIT (KIT proto-oncogene, receptor tyrosine kinase; plus strand). Cytogenetic location: 4q12.
Variant type: single nucleotide variant.
Coding change: c.1274T>A on transcript NM_000222.3 (MANE Select); coding-DNA position 1274, T replaced by A.
Protein change: p.Met425Lys; replaces methionine 425 with lysine.
Molecular consequence: missense variant.
Genome position (GRCh38, 1-based): chr4:54,723,626, T>A. VCF-style: chr4-54723626-T-A. GRCh37 (hg19) VCF-style: chr4-55589792-T-A.
Other names: c.1274T>A, p.Met425Lys (NM_001093772.2, NM_001385285.1, NM_001385286.1); c.1277T>A, p.Met426Lys (NM_001385284.1, NM_001385288.1, NM_001385290.1 and 1 more transcripts); short protein forms M425K, M426K.
Identifiers: ClinVar variation 237238 (VCV000237238.17), dbSNP rs878853760, ClinGen allele CA10582259.